The following continues an entry in ClinVar:

NM_000552.5(VWF):c.4789C>T (p.Arg1597Trp)

Gene: VWF. ClinVar aggregate classification (germline): Pathogenic. Pathogenic (1).

Submissions 6 to 16 of 16:

Women's Health and Genetics/Laboratory Corporation of America, LabCorp
Classification: Pathogenic for von Willebrand disorder. Last evaluated: 2022-11-16. Review status: criteria provided, single submitter. Criteria: LabCorp Variant Classification Summary - May 2015. Collection method: clinical testing. Allele origin: germline. Not counted in ClinVar's aggregate classification.
Comment: Variant summary: VWF c.4789C>T (p.Arg1597Trp) results in a non-conservative amino acid change located in the von Willebrand factor, type A domain (IPR002035) of the encoded protein sequence. Four of five in-silico tools predict a damaging effect of the variant on protein function. The variant was absent in 251162 control chromosomes (gnomAD). c.4789C>T has been reported in the literature in multiple individuals affected with Von Willebrand Disease and the variant segregated with disease (examples: Ginsburg_1989, Inbal_1992, Starke_2013, and Shen_2016). These data indicate that the variant is very likely to be associated with disease. Experimental evidence from in vitro and mouse model studies have demonstrated that this variant disrupts the normal activity of the protein (examples: Hassenpflug_2006, Xu_2013 and Pruss_2012). Seven clinical diagnostic laboratories have submitted clinical-significance assessments for this variant to ClinVar after 2014 and all classified the variant as pathogenic (n=6) and likely pathogenic (n=1). Based on the evidence outlined above, the variant was classified as pathogenic.

Laboratory of Hematology, Radboud University Medical Center
Classification: Pathogenic for von Willebrand disease type 2. Last evaluated: 2021-07-08. Review status: criteria provided, single submitter. Criteria: ACMG Guidelines, 2015. Collection method: research. Allele origin: germline. Affected: yes. Observed: 16 variant alleles. Study: WIN study. Not counted in ClinVar's aggregate classification.

NIHR Bioresource Rare Diseases, University of Cambridge
Classification: Pathogenic for von Willebrand disorder. Last evaluated: 2019-02-01. Review status: criteria provided, single submitter. Criteria: ACMG Guidelines, 2015. Collection method: research. Allele origin: unknown. Affected: yes. Observed: 2 heterozygotes. Study: ThromboGenomics. Not counted in ClinVar's aggregate classification.

Ambry Genetics
Classification: Likely pathogenic for Inborn genetic diseases. Last evaluated: 2016-03-29. Review status: criteria provided, single submitter. Criteria: Ambry exome assertion method (8-5-2015). Collection method: clinical testing. Allele origin: germline. Affected: yes. Observed: 1 variant allele. Not counted in ClinVar's aggregate classification.

Angelo Bianchi Bonomi Hemophilia and Thrombosis Center, Fondazione IRCCS Ca Granda Ospedale Maggiore Policlinico
Classification: Pathogenic for von Willebrand disease type 2. Last evaluated: 2022-04-26. Review status: no assertion criteria provided. Collection method: clinical testing. Allele origin: germline. Affected: yes. Not counted in ClinVar's aggregate classification.

OMIM
Classification: Pathogenic for VON WILLEBRAND DISEASE, TYPE 2A. Last evaluated: 2010-05-01. Review status: no assertion criteria provided. Collection method: literature only. Allele origin: germline. Not counted in ClinVar's aggregate classification.

Academic Unit of Haematology, University of Sheffield
No classification provided. Review status: no classification provided. Collection method: not provided. Allele origin: not provided. Not counted in ClinVar's aggregate classification.

Clinical Genetics DNA and cytogenetics Diagnostics Lab, Erasmus MC, Erasmus Medical Center
Classification: Pathogenic. Review status: no assertion criteria provided. Collection method: clinical testing. Allele origin: germline. Affected: yes. Study: VKGL Data-share Consensus. Not counted in ClinVar's aggregate classification.

Diagnostic Laboratory, Department of Genetics, University Medical Center Groningen
Classification: Pathogenic. Review status: no assertion criteria provided. Collection method: clinical testing. Allele origin: germline. Affected: yes. Study: VKGL Data-share Consensus. Not counted in ClinVar's aggregate classification.

GeneReviews
No classification provided. Condition: von Willebrand disorder. Review status: no classification provided. Collection method: literature only. Allele origin: germline. Not counted in ClinVar's aggregate classification.

Joint Genome Diagnostic Labs from Nijmegen and Maastricht, Radboudumc and MUMC+
Classification: Pathogenic. Review status: no assertion criteria provided. Collection method: clinical testing. Allele origin: germline. Affected: yes. Study: VKGL Data-share Consensus. Not counted in ClinVar's aggregate classification.

Literature cited by the submitters: PubMed 16322474 (cited by 3 submitters); PubMed 38053262 (cited by Quest Diagnostics Nichols Institute San Juan Capistrano); PubMed 38315875 (cited by Quest Diagnostics Nichols Institute San Juan Capistrano); PubMed 34136746 (cited by Quest Diagnostics Nichols Institute San Juan Capistrano); PubMed 19277422 (cited by Quest Diagnostics Nichols Institute San Juan Capistrano); PubMed 29186156 (cited by Quest Diagnostics Nichols Institute San Juan Capistrano); PubMed 27766062 (cited by Quest Diagnostics Nichols Institute San Juan Capistrano and Women's Health and Genetics/Laboratory Corporation of America, LabCorp); PubMed 18986390 (cited by Quest Diagnostics Nichols Institute San Juan Capistrano and Women's Health and Genetics/Laboratory Corporation of America, LabCorp); PubMed 22372972 (cited by Quest Diagnostics Nichols Institute San Juan Capistrano and Women's Health and Genetics/Laboratory Corporation of America, LabCorp); PubMed 23355534 (cited by Women's Health and Genetics/Laboratory Corporation of America, LabCorp); PubMed 2786201 (cited by Women's Health and Genetics/Laboratory Corporation of America, LabCorp); PubMed 1324533 (cited by Women's Health and Genetics/Laboratory Corporation of America, LabCorp); PubMed 23322777 (cited by Women's Health and Genetics/Laboratory Corporation of America, LabCorp); PubMed 31064749 (cited by NIHR Bioresource Rare Diseases, University of Cambridge); PubMed 20409624 (cited by OMIM); PubMed 8456431 (cited by OMIM); NCBI Bookshelf NBK7014 (cited by GeneReviews).